The following is an entry in ClinVar:

ClinVar aggregate classification (germline): Pathogenic (1 of 4 stars; one submission).

Submission:

Labcorp Genetics (formerly Invitae), Labcorp
Classification: Pathogenic. Last evaluated: 2025-05-30. Review status: criteria provided, single submitter. Criteria: Invitae Variant Classification Sherloc (09022015). Collection method: clinical testing. Allele origin: germline.
Comment: This sequence change creates a premature translational stop signal (p.Glu2387Lysfs*12) in the LRP2 gene. It is expected to result in an absent or disrupted protein product. Loss-of-function variants in LRP2 are known to be pathogenic (PMID: 17632512, 25682901). This variant is not present in population databases (gnomAD no frequency). This variant has not been reported in the literature in individuals affected with LRP2-related conditions. For these reasons, this variant has been classified as Pathogenic.

Literature cited by the submitters: PubMed 17632512; PubMed 25682901.

NM_004525.3(LRP2):c.7158del (p.Glu2387fs)

Gene: LRP2 (LDL receptor related protein 2; minus strand). Cytogenetic location: 2q31.1.
Variant type: Deletion.
Coding change: c.7158del on transcript NM_004525.3 (MANE Select); coding-DNA position 7158, one base deleted (A; older notation c.7158delA).
Protein change: p.Glu2387fs; shifts the reading frame from glutamic acid 2387.
Molecular consequence: frameshift variant.
Genome position (GRCh38, 1-based): chr2:169,206,562, T deleted on the plus strand (A on the coding strand, the reverse complement: LRP2 is on the minus strand). VCF-style (leftmost placement, unchanged base first): chr2-169206561-CT-C. GRCh37 (hg19) VCF-style: chr2-170063071-CT-C.
Other names: short protein forms E2387fs.
Identifiers: ClinVar variation 4720503 (VCV004720503.1).